The following is an entry in ClinVar:

ClinVar aggregate classification (germline): Pathogenic/Likely pathogenic. Review status: criteria provided, multiple submitters, no conflicts (2 of 4 stars). 2 submissions from 2 submitters: Pathogenic (1); Likely pathogenic (1). Last evaluated 2020-11-03.

Conditions:
Hereditary cancer-predisposing syndrome. Also called: Neoplastic Syndromes, Hereditary; Hereditary Cancer Syndrome; Tumor predisposition; Hereditary neoplastic syndrome. Identifiers: Orphanet 140162, MedGen C0027672, MeSH D009386, MONDO:0015356.

Submissions (2):

Ambry Genetics
Classification: Pathogenic for Hereditary cancer-predisposing syndrome. Last evaluated: 2020-11-03. Review status: criteria provided, single submitter. Criteria: Ambry Variant Classification Scheme 2023. Collection method: clinical testing. Allele origin: germline.
Comment: The p.Y114D pathogenic mutation (also known as c.340T>G), located in coding exon 4 of the SDHD gene, results from a T to G substitution at nucleotide position 340. The tyrosine at codon 114 is replaced by aspartic acid, an amino acid with highly dissimilar properties. Internal structural analysis shows that p.Y114D is on an interface, is part of a known functional motif, and is moderately destabilizing to the local structure (Ambry internal data). Two other alterations at the same codon, p.Y114N (c.340T>A) and p.Y114C (c.341A>G), have been detected in numerous individuals affected with paragangliomas and/or pheochromocytomas (Neumann H et al. JAMA. 2004 Aug 25;292(8):943-51; Liapis C et al. Anticancer Res. 2005 May-Jun;25(3c):2449-52; Benn D et al. J. Clin. Endocrinol. Metab. 2006 Mar;91(3):827-36; Antonello M et al. Eur. J. Vasc. Endovasc. Surg. 2008 Nov;36(5):517-9; Piccini V et al. Endocr. Relat. Cancer. 2012 Apr 10;19(2):149-55; Zdrojowy-Wena A and Bednarek-Tupikowska G. Neuro Endocrinol. Lett. 2014;35(5):355-8; Bennedb&aelig;k M et al. Hered. Cancer Clin. Pract. 2016 Jun;14:13; Schiavi F et al. J Clin Endocrinol. Merab 2012;97(4):637-41). This variant was not reported in population-based cohorts in the Genome Aggregation Database (gnomAD). This amino acid position is highly conserved in available vertebrate species. In addition, this alteration is predicted to be deleterious by in silico analysis. Based on the supporting evidence, this alteration is interpreted as a disease-causing mutation.

ARUP Laboratories, Molecular Genetics and Genomics, ARUP Laboratories
Classification: Likely pathogenic. Last evaluated: 2019-12-23. Review status: criteria provided, single submitter. Criteria: ARUP Molecular Germline Variant Investigation Process. Collection method: clinical testing. Allele origin: germline.
Comment: The SDHD c.340T>G; p.Tyr114Asp variant, to our knowledge, is not reported in the medical literature or gene specific databases. This variant is also absent from general population databases (Exome Variant Server, Genome Aggregation Database), indicating it is not a common polymorphism. The tyrosine at codon 114 is highly conserved, and computational analyses (SIFT, PolyPhen-2) predict that this variant is deleterious. Additionally, a different variant at this codon (Tyr114Cys) is reported in multiple individuals and families affected with pheochromocytoma or paraganlioma (Andrews 2018, Antonello 2008, Benn 2006, Braun 2005, Fish 2007, Milunsky 2001, Neumann 2004, Piccini 2012, Richter 2019), and is a common variant in Italy due to a founder effect (Schiavi 2012). Functional analyses in yeast demonstrate that the Tyr114 residue (Tyr89 in yeast) is essential for ubiquinone reductase activity (Silkin 2007). Based on available information, the p.Tyr114Asp variant is considered to be likely pathogenic. REFERENCES Andrews KA et al. Tumour risks and genotype-phenotype correlations associated with germline variants in succinate dehydrogenase subunit genes SDHB, SDHC and SDHD. J Med Genet. 2018 Jun;55(6):384-394. Antonello M et al. Role of the genetic study in the management of carotid body tumor in paraganglioma syndrome. Eur J Vasc Endovasc Surg. 2008 Nov;36(5):517-9. Benn DE et al. Clinical presentation and penetrance of pheochromocytoma/paraganglioma syndromes. J Clin Endocrinol Metab. 2006 Mar;91(3):827-36. Braun S et al. Active succinate dehydrogenase (SDH) and lack of SDHD mutations in sporadic paragangliomas. Anticancer Res. 2005 Jul-Aug;25(4):2809-14. Fish JH et al. Systematic screening and treatment evaluation of hereditary neck paragangliomas. Head Neck. 2007 Sep;29(9):864-73. Milunsky JM et al. Novel mutations and the emergence of a common mutation in the SDHD gene causing familial paraganglioma. Am J Med Genet. 2001 May 15;100(4):311-4. Neumann HP et al. Distinct clinical features of paraganglioma syndromes associated with SDHB and SDHD gene mutations. JAMA. 2004 Aug 25;292(8):943-51. Piccini V et al. Head and neck paragangliomas: genetic spectrum and clinical variability in 79 consecutive patients. Endocr Relat Cancer. 2012 Apr 10;19(2):149-55. Richter S et al. Metabolome-guided genomics to identify pathogenic variants in isocitrate dehydrogenase, fumarate hydratase, and succinate dehydrogenase genes in pheochromocytoma and paraganglioma. Genet Med. 2019 Mar;21(3):705-717. Schiavi F et al. The endemic paraganglioma syndrome type 1: origin, spread, and clinical expression. J Clin Endocrinol Metab. 2012 Apr;97(4):E637-41. Silkin Y et al. The role of Sdh4p Tyr-89 in ubiquinone reduction by the Saccharomyces cerevisiae succinate dehydrogenase. Biochim Biophys Acta. 2007 Feb;1767(2):143-50.

NM_003002.4(SDHD):c.340T>G (p.Tyr114Asp)

Gene: SDHD (succinate dehydrogenase complex subunit D; plus strand). Cytogenetic location: 11q23.1.
Variant type: single nucleotide variant.
Coding change: c.340T>G on transcript NM_003002.4 (MANE Select); coding-DNA position 340, T replaced by G.
Protein change: p.Tyr114Asp; replaces tyrosine 114 with aspartic acid.
Molecular consequence: missense variant. On other transcripts: synonymous variant (1), 3 prime UTR variant (1), non-coding transcript variant (1).
Genome position (GRCh38, 1-based): chr11:112,094,830, T>G. VCF-style: chr11-112094830-T-G. GRCh37 (hg19) VCF-style: chr11-111965554-T-G.
Other names: c.195T>G, p.Thr65= (NM_001276503.2); c.223T>G, p.Tyr75Asp (NM_001276504.2); c.*38T>G (NM_001276506.2); short protein forms Y114D, Y75D.
Identifiers: ClinVar variation 993407 (VCV000993407.9), dbSNP rs876659276, ClinGen allele CA382618847.